The following is an entry in ClinVar:

NM_001291303.3(FAT4):c.14874dup (p.Ala4959fs)

Gene: FAT4 (FAT atypical cadherin 4; plus strand). Cytogenetic location: 4q28.1.
Variant type: Duplication.
Coding change: c.14874dup on transcript NM_001291303.3 (MANE Select); coding-DNA position 14874, one base duplicated (A; older notation c.14874dupA).
Protein change: p.Ala4959fs; shifts the reading frame from alanine 4959.
Molecular consequence: frameshift variant.
Genome position (GRCh38, 1-based): chr4:125,491,690, A duplicated; the last of 5 consecutive A bases (chr4:125,491,686-125,491,690); duplicating any one gives the same sequence. VCF-style (leftmost placement, unchanged base first): chr4-125491685-G-GA. GRCh37 (hg19) VCF-style: chr4-126412840-G-GA.
Other names: c.14871dup, p.Ala4958fs (NM_001291285.3); c.14868dup, p.Ala4957fs (NM_024582.6); short protein forms A4957fs, A4958fs, A4959fs.
Identifiers: ClinVar variation 2743866 (VCV002743866.3), dbSNP rs2530093299, ClinGen allele CA2697546940.

ClinVar aggregate classification (germline): Uncertain significance (1 of 4 stars; one submission).

Submission:

Labcorp Genetics (formerly Invitae), Labcorp
Classification: Uncertain significance. Last evaluated: 2024-06-10. Review status: criteria provided, single submitter. Criteria: Invitae Variant Classification Sherloc (09022015). Collection method: clinical testing. Allele origin: germline.
Comment: This sequence change creates a premature translational stop signal (p.Ala4957Serfs*5) in the FAT4 gene. While this is not anticipated to result in nonsense mediated decay, it is expected to disrupt the last 25 amino acid(s) of the FAT4 protein. This variant is not present in population databases (gnomAD no frequency). This variant has not been reported in the literature in individuals affected with FAT4-related conditions. Experimental studies and prediction algorithms are not available or were not evaluated, and the functional significance of this variant is currently unknown. Algorithms developed to predict the effect of sequence changes on RNA splicing suggest that this variant may create or strengthen a splice site. In summary, the available evidence is currently insufficient to determine the role of this variant in disease. Therefore, it has been classified as a Variant of Uncertain Significance.